The following is an entry in ClinVar:

NM_018979.4(WNK1):c.3372+3A>G

Gene: WNK1 (WNK lysine deficient protein kinase 1; plus strand). Cytogenetic location: 12p13.33.
Variant type: single nucleotide variant.
Coding change: c.3372+3A>G on transcript NM_018979.4 (MANE Select); 3 bases into the intron after coding-DNA position 3372, A replaced by G.
Molecular consequence: intron variant.
Genome position (GRCh38, 1-based): chr12:882,076, A>G. VCF-style: chr12-882076-A-G. GRCh37 (hg19) VCF-style: chr12-991242-A-G.
Other names: c.4128+3A>G (NM_213655.5, NM_213655.4); c.4152+3A>G (NM_001184985.2); c.2631+3A>G (NM_014823.3).
Identifiers: ClinVar variation 1163530 (VCV001163530.11), dbSNP rs1426580785, ClinGen allele CA603036974.
Genomic context (GRCh38, chr12:882,076, plus strand): 5'-TGTAAGGAGTCGCTCTCGACATGAAAAAACTTCACGCCCAAAATTAAGAATTTTGAATGT[A>G]AGTATTCCTAATTTGTGAGTTTCATGTTGTTAAAGGAATTTGACACTGAAAAAGATTTTA-3'

ClinVar aggregate classification (germline): Uncertain significance. Review status: criteria provided, multiple submitters, no conflicts (2 of 4 stars). 4 submissions from 4 submitters: Uncertain significance (4). Last evaluated 2023-12-20.

Conditions:
Inborn genetic diseases. Identifiers: MedGen C0950123, MeSH D030342.
Pseudohypoaldosteronism type 2C (PHA2C). Also called: Pseudohypoaldosteronism Type IIC. Identifiers: Orphanet 757, Orphanet 88940, MedGen C1840391, MONDO:0013778, OMIM 614492.
Neuropathy, hereditary sensory and autonomic, type 2A (HSAN2A). Also called: ACROOSTEOLYSIS, GIACCAI TYPE; ACROOSTEOLYSIS, NEUROGENIC; HSAN IIA; WNK1-Related HSAN2 (HSAN2A); MORVAN DISEASE; NEUROPATHY, CONGENITAL SENSORY. Identifiers: Orphanet 970, MedGen C2752089, MONDO:0024309, OMIM 201300.

Allele frequency attached by ClinVar (database versions not stated): gnomAD exomes below 0.00001 and 0.00001.
gnomAD v4.1: 3 of 1,606,366 alleles (0.00019%); highest among the groups gnomAD compares: Non-Finnish European, 0.00026%; no homozygotes.

Submissions (4):

Labcorp Genetics (formerly Invitae), Labcorp
Classification: Uncertain significance for Neuropathy, hereditary sensory and autonomic, type 2A; Pseudohypoaldosteronism type 2C. Last evaluated: 2023-12-20. Review status: criteria provided, single submitter. Criteria: Invitae Variant Classification Sherloc (09022015). Collection method: clinical testing. Allele origin: germline.
Comment: This sequence change falls in intron 14 of the WNK1 gene. It does not directly change the encoded amino acid sequence of the WNK1 protein. It affects a nucleotide within the consensus splice site. This variant is present in population databases (no rsID available, gnomAD 0.001%). This variant has not been reported in the literature in individuals affected with WNK1-related conditions. ClinVar contains an entry for this variant (Variation ID: 1163530). Variants that disrupt the consensus splice site are a relatively common cause of aberrant splicing (PMID: 17576681, 9536098). Algorithms developed to predict the effect of sequence changes on RNA splicing suggest that this variant is not likely to affect RNA splicing. In summary, the available evidence is currently insufficient to determine the role of this variant in disease. Therefore, it has been classified as a Variant of Uncertain Significance.

Ambry Genetics
Classification: Uncertain significance for Inborn genetic diseases. Last evaluated: 2023-06-16. Review status: criteria provided, single submitter. Criteria: Ambry Variant Classification Scheme 2023. Collection method: clinical testing. Allele origin: germline.
Comment: The c.4128+3A>G intronic alteration consists of a A to G substitution 3 nucleotides after coding exon 14 in the WNK1 gene. Based on insufficient or conflicting evidence, the clinical significance of this alteration remains unclear.

Fulgent Genetics
Classification: Uncertain significance for Neuropathy, hereditary sensory and autonomic, type 2A; Pseudohypoaldosteronism type 2C. Last evaluated: 2022-05-25. Review status: criteria provided, single submitter. Criteria: ACMG Guidelines, 2015. Collection method: clinical testing. Allele origin: unknown.

Mayo Clinic Laboratories, Mayo Clinic
Classification: Uncertain significance. Last evaluated: 2020-01-30. Review status: criteria provided, single submitter. Criteria: ACMG Guidelines, 2015. Collection method: clinical testing. Allele origin: germline. Observed: 1 variant allele.

Literature cited by the submitters: PubMed 17576681 (cited by Labcorp Genetics (formerly Invitae), Labcorp); PubMed 9536098 (cited by Labcorp Genetics (formerly Invitae), Labcorp).